The following is an entry in ClinVar:

NM_001358530.2(MOCS1):c.379G>A (p.Gly127Arg)

Gene: MOCS1 (molybdenum cofactor synthesis 1; minus strand). Cytogenetic location: 6p21.2.
Variant type: single nucleotide variant.
Coding change: c.379G>A on transcript NM_001358530.2 (MANE Select); coding-DNA position 379, G replaced by A.
Protein change: p.Gly127Arg; replaces glycine 127 with arginine.
Molecular consequence: missense variant. On other transcripts: non-coding transcript variant (1).
Genome position (GRCh38, 1-based): chr6:39,925,717, C>T on the plus strand (G>A on the coding strand, the complement: MOCS1 is on the minus strand). VCF-style: chr6-39925717-C-T. GRCh37 (hg19) VCF-style: chr6-39893461-C-T.
Other names: c.379G>A, p.Gly127Arg (NM_001075098.4, NM_001358529.2, NM_005943.6); c.118G>A, p.Gly40Arg (NM_001358531.2, NM_001358533.2, NM_001358534.2); c.379G>A (NM_005943.5); short protein forms G127R, G40R.
Identifiers: ClinVar variation 1016096 (VCV001016096.7), dbSNP rs1321268099, ClinGen allele CA364044684.

ClinVar aggregate classification (germline): Uncertain significance. Review status: criteria provided, multiple submitters, no conflicts (2 of 4 stars). 3 submissions from 3 submitters: Uncertain significance (3). Last evaluated 2026-01-26.

Conditions:
Sulfite oxidase deficiency due to molybdenum cofactor deficiency type A. Also called: Molybdenum cofactor deficiency, complementation group A; Molybdenum Cofactor Deficiency A. Identifiers: Orphanet 308386, Orphanet 833, MedGen C1854988, MONDO:0009643, OMIM 252150.
Inborn genetic diseases. Identifiers: MedGen C0950123, MeSH D030342.

Allele frequency attached by ClinVar (database versions not stated): TOPMed below 0.00001; gnomAD exomes 0.00002.
gnomAD v4.1: 26 of 1,612,816 alleles (0.0016%); highest among the groups gnomAD compares: Non-Finnish European, 0.0021%; no homozygotes.

Submissions (3):

Women's Health and Genetics/Laboratory Corporation of America, LabCorp
Classification: Uncertain significance. Last evaluated: 2026-01-26. Review status: criteria provided, single submitter. Criteria: LabCorp Variant Classification Summary - May 2015. Collection method: clinical testing. Allele origin: germline.
Comment: Variant summary: MOCS1 c.379G>A (p.Gly127Arg) results in a non-conservative amino acid change in the encoded protein sequence. Algorithms developed to predict the effect of missense changes on protein structure and function all suggest that this variant is likely to be disruptive. The variant was absent in 249850 control chromosomes. The available data on variant occurrences in the general population are insufficient to allow any conclusion about variant significance. c.379G>A has been observed in an individual affected with Molybdenum Cofactor Deficiency (Reiss_1998). These data do not allow any conclusion about variant significance. To our knowledge, no experimental evidence demonstrating an impact on protein function has been reported. The following publication has been ascertained in the context of this evaluation (PMID: 9921896). ClinVar contains an entry for this variant (Variation ID: 1016096). Based on the evidence outlined above, the variant was classified as uncertain significance.

Ambry Genetics
Classification: Uncertain significance for Inborn genetic diseases. Last evaluated: 2022-08-19. Review status: criteria provided, single submitter. Criteria: Ambry Variant Classification Scheme 2023. Collection method: clinical testing. Allele origin: germline.

Labcorp Genetics (formerly Invitae), Labcorp
Classification: Uncertain significance for Sulfite oxidase deficiency due to molybdenum cofactor deficiency type A. Last evaluated: 2021-09-01. Review status: criteria provided, single submitter. Criteria: Invitae Variant Classification Sherloc (09022015). Collection method: clinical testing. Allele origin: germline.
Comment: This sequence change replaces glycine with arginine at codon 127 of the MOCS1 protein (p.Gly127Arg). The glycine residue is highly conserved and there is a moderate physicochemical difference between glycine and arginine. This variant is not present in population databases (ExAC no frequency). This missense change has been observed in individual(s) with molybdenum cofactor deficiency (PMID: 9921896). Algorithms developed to predict the effect of missense changes on protein structure and function are either unavailable or do not agree on the potential impact of this missense change (SIFT: "Deleterious"; PolyPhen-2: "Probably Damaging"; Align-GVGD: "Class C15"). In summary, the available evidence is currently insufficient to determine the role of this variant in disease. Therefore, it has been classified as a Variant of Uncertain Significance.

Literature cited by the submitters: PubMed 9921896 (cited by Women's Health and Genetics/Laboratory Corporation of America, LabCorp and Labcorp Genetics (formerly Invitae), Labcorp).